The following is an entry in ClinVar:

NM_021968.4(H4C11):c.97C>T (p.Pro33Ser)

Gene: H4C11 (H4 clustered histone 11; plus strand). Cytogenetic location: 6p22.1.
Variant type: single nucleotide variant.
Coding change: c.97C>T on transcript NM_021968.4 (MANE Select); coding-DNA position 97, C replaced by T.
Protein change: p.Pro33Ser; replaces proline 33 with serine.
Molecular consequence: missense variant.
Genome position (GRCh38, 1-based): chr6:27,824,221, C>T. VCF-style: chr6-27824221-C-T. GRCh37 (hg19) VCF-style: chr6-27791999-C-T.
Other names: short protein forms P33S.
Identifiers: ClinVar variation 4293824 (VCV004293824.1).

ClinVar aggregate classification (germline): Uncertain significance (1 of 4 stars; one submission).

Conditions:
Tessadori-van Haaften neurodevelopmental syndrome 2 (TEBIVANED2). Identifiers: MedGen C5676923, MONDO:0030730, OMIM 619759.

Submission:

3billion
Classification: Uncertain significance for Tessadori-van Haaften neurodevelopmental syndrome 2. Last evaluated: 2024-10-23. Review status: criteria provided, single submitter. Criteria: ACMG Guidelines, 2015. Collection method: clinical testing. Allele origin: germline. Affected: yes.
Comment: The variant is observed at an extremely low frequency in the gnomAD v4.1.0 dataset (total allele frequency: <0.001%). Predicted Consequence/Location: Missense variant. Missense changes are a common disease-causing mechanism. Therefore, this variant is classified as VUS according to the recommendation of ACMG/AMP guideline.